The following is an entry in ClinVar:

NM_020461.4(TUBGCP6):c.1075G>A (p.Val359Ile)

Gene: TUBGCP6 (tubulin gamma complex component 6; minus strand). Cytogenetic location: 22q13.33.
Variant type: single nucleotide variant.
Coding change: c.1075G>A on transcript NM_020461.4 (MANE Select); coding-DNA position 1075, G replaced by A.
Protein change: p.Val359Ile; replaces valine 359 with isoleucine.
Molecular consequence: missense variant.
Genome position (GRCh38, 1-based): chr22:50,233,357, C>T on the plus strand (G>A on the coding strand, the complement: TUBGCP6 is on the minus strand). VCF-style: chr22-50233357-C-T. GRCh37 (hg19) VCF-style: chr22-50671786-C-T.
Other names: short protein forms V359I.
Identifiers: ClinVar variation 694004 (VCV000694004.4), dbSNP rs1444741505, ClinGen allele CA412109784.

ClinVar aggregate classification (germline): Conflicting classifications of pathogenicity. Review status: criteria provided, conflicting classifications (1 of 4 stars). 3 submissions from 3 submitters: Likely pathogenic (1); Uncertain significance (2). Last evaluated 2025-02-22.

Conditions:
Microcephaly and chorioretinopathy 1. Also called: Microcephaly and chorioretinopathy, autosomal recessive, 1. Identifiers: MedGen C3278481, MONDO:0009624, OMIM 251270.
TUBGCP6-related disorder. Also called: TUBGCP6-related condition.

Allele frequency attached by ClinVar (database versions not stated): gnomAD exomes below 0.00001 and 0.00001; TOPMed below 0.00001; gnomAD 0.00003.
gnomAD v4.1: 16 of 1,613,892 alleles (0.00099%); highest among the groups gnomAD compares: African/African-American, 0.0053%; no homozygotes.

Submissions (3):

PreventionGenetics, part of Exact Sciences
Classification: Uncertain significance for TUBGCP6-related condition. Last evaluated: 2025-02-22. Review status: criteria provided, single submitter. Criteria: ACMG Guidelines, 2015. Collection method: clinical testing. Allele origin: germline.
Comment: The TUBGCP6 c.1075G>A variant is predicted to result in the amino acid substitution p.Val359Ile. This variant has been reported in the heterozygous state along with a second variant in the gene in an individual with microcephaly (Duerinckx et al. 2020. PubMed ID: 31696992). This variant is reported in 0.0050% of alleles in individuals of East Asian descent in gnomAD. At this time, the clinical significance of this variant is uncertain due to the absence of conclusive functional and genetic evidence.

Blueprint Genetics
Classification: Uncertain significance. Last evaluated: 2024-10-11. Review status: criteria provided, single submitter. Criteria: ACMG Guidelines, 2015. Collection method: clinical testing. Allele origin: germline.

Child Neurology Department, Hôpital Universitaire de Bruxelles
Classification: Likely pathogenic for Microcephaly and chorioretinopathy 1. Review status: criteria provided, single submitter. Criteria: ACMG Guidelines, 2015. Collection method: clinical testing. Allele origin: paternal. Affected: yes.